The following is an entry in ClinVar:

NM_001005361.3(DNM2):c.2411_2413del (p.Phe804del)

Gene: DNM2 (dynamin 2; plus strand). Cytogenetic location: 19p13.2.
Variant type: Deletion.
Coding change: c.2411_2413del on transcript NM_001005361.3 (MANE Select); coding-DNA positions 2411 to 2413, 3 bases deleted (TCT; older notation c.2411_2413delTCT).
Protein change: p.Phe804del; deletes phenylalanine 804.
Molecular consequence: inframe deletion.
Genome position (GRCh38, 1-based): chr19:10,830,246-10,830,248, TCT deleted; deleting any 3 consecutive bases within chr19:10,830,244-10,830,248 gives the same sequence; the c. name uses the placement nearest the transcript's 3' end. VCF-style (leftmost placement, unchanged base first): chr19-10830243-CCTT-C. GRCh37 (hg19) VCF-style: chr19-10940919-CCTT-C.
Other names: c.2411_2413delTCT (NM_001005360.2); c.2411_2413del, p.Phe804del (NM_001005360.3, NM_001190716.2); c.2399_2401del, p.Phe800del (NM_001005362.3, NM_004945.4); short protein forms F804del, F800del.
Identifiers: ClinVar variation 576404 (VCV000576404.10), dbSNP rs752014734, ClinGen allele CA9201615.

ClinVar aggregate classification (germline): Uncertain significance (1 of 4 stars; one submission).

Conditions:
Charcot-Marie-Tooth disease dominant intermediate B (CMTDIB). Also called: CHARCOT-MARIE-TOOTH NEUROPATHY, DOMINANT INTERMEDIATE B; Charcot-Marie-Tooth disease dominant intermediate 1; CMT DI1; Charcot-Marie-Tooth disease dominant intermediate I. Identifiers: Orphanet 100044, Orphanet 228179, MedGen C1847902, MONDO:0011674, OMIM 606482.

Submission:

Labcorp Genetics (formerly Invitae), Labcorp
Classification: Uncertain significance for Charcot-Marie-Tooth disease dominant intermediate B. Last evaluated: 2025-03-16. Review status: criteria provided, single submitter. Criteria: Invitae Variant Classification Sherloc (09022015). Collection method: clinical testing. Allele origin: germline.
Comment: This variant, c.2411_2413del, results in the deletion of 1 amino acid(s) of the DNM2 protein (p.Phe804del), but otherwise preserves the integrity of the reading frame. This variant is present in population databases (rs752014734, gnomAD 0.03%). This variant has not been reported in the literature in individuals affected with DNM2-related conditions. This variant has been observed in at least one individual who was not affected with DNM2-related conditions (internal data). ClinVar contains an entry for this variant (Variation ID: 576404). Experimental studies and prediction algorithms are not available or were not evaluated, and the functional significance of this variant is currently unknown. In summary, the available evidence is currently insufficient to determine the role of this variant in disease. Therefore, it has been classified as a Variant of Uncertain Significance.